The following is an entry in ClinVar:

ClinVar aggregate classification (germline): Uncertain significance. Review status: criteria provided, multiple submitters, no conflicts (2 of 4 stars). 2 submissions from 2 submitters: Uncertain significance (2). Last evaluated 2023-12-01.

Conditions:
Familial thoracic aortic aneurysm and aortic dissection (TAAD). Also called: Thoracic aortic aneurysms and dissections. Identifiers: Orphanet 91387, MedGen C4707243, MONDO:0019625.
Loeys-Dietz syndrome 2 (LDS2). Also called: TGFBR2-Related Loeys-Dietz Syndrome; Marfan Syndrome type 2; Marfan like connective tissue disorder; MFS 2; Marfan syndrome, type 2 (formerly); AORTIC ANEURYSM, FAMILIAL THORACIC 3. Identifiers: Orphanet 284973, Orphanet 558, MedGen C2674574, MONDO:0012427, OMIM 610168.

Submissions (2):

All of Us Research Program, National Institutes of Health
Classification: Uncertain significance for Loeys-Dietz syndrome 2. Last evaluated: 2023-12-01. Review status: criteria provided, single submitter. Criteria: ACMG Guidelines, 2015. Collection method: clinical testing. Allele origin: germline. Inheritance: Autosomal dominant inheritance. Observed: 1 variant allele, 1 heterozygote.
Comment: This study involves interpretation of variants in research participants for the purpose of population health screening. Participant phenotype was not available at the time of variant classification. Additional details can be found in publication PMID: 35346344, PMCID: PMC8962531

CHEO Genetics Diagnostic Laboratory, Children's Hospital of Eastern Ontario
Classification: Uncertain significance for Familial thoracic aortic aneurysm and aortic dissection. Last evaluated: 2021-06-22. Review status: criteria provided, single submitter. Criteria: ACMG Guidelines, 2015. Collection method: clinical testing. Allele origin: germline.

NM_003242.6(TGFBR2):c.124A>G (p.Asn42Asp)

Gene: TGFBR2 (transforming growth factor beta receptor 2; plus strand). Cytogenetic location: 3p24.1.
Variant type: single nucleotide variant.
Coding change: c.124A>G on transcript NM_003242.6 (MANE Select); coding-DNA position 124, A replaced by G.
Protein change: p.Asn42Asp; replaces asparagine 42 with aspartic acid.
Molecular consequence: missense variant.
Genome position (GRCh38, 1-based): chr3:30,644,776, A>G. VCF-style: chr3-30644776-A-G. GRCh37 (hg19) VCF-style: chr3-30686268-A-G.
Other names: c.199A>G, p.Asn67Asp (NM_001024847.3, NM_001407126.1, NM_001407139.1); c.124A>G, p.Asn42Asp (NM_001407127.1, NM_001407130.1); c.151A>G, p.Asn51Asp (NM_001407128.1); c.19A>G, p.Asn7Asp (NM_001407129.1, NM_001407132.1, NM_001407133.1 and 3 more transcripts); short protein forms N42D, N51D, N67D, N7D.
Identifiers: ClinVar variation 2442952 (VCV002442952.3), dbSNP rs2470509919, ClinGen allele CA351806355.